The following is an entry in ClinVar:

NM_000443.4(ABCB4):c.100del (p.Thr34fs)

Gene: ABCB4 (ATP binding cassette subfamily B member 4; minus strand). Cytogenetic location: 7q21.12.
Variant type: Deletion.
Coding change: c.100del on transcript NM_000443.4 (MANE Select); coding-DNA position 100, one base deleted (A; older notation c.100delA).
Protein change: p.Thr34fs; shifts the reading frame from threonine 34.
Molecular consequence: frameshift variant.
Genome position (GRCh38, 1-based): chr7:87,472,656, T deleted on the plus strand (A on the coding strand, the reverse complement: ABCB4 is on the minus strand); the first of 7 consecutive T bases (chr7:87,472,656-87,472,662); deleting any one gives the same sequence. VCF-style (leftmost placement, unchanged base first): chr7-87472655-GT-G. GRCh37 (hg19) VCF-style: chr7-87101971-GT-G.
Other names: c.100del (NM_000443.3); c.100del, p.Thr34fs (NM_018849.3, NM_018850.3); short protein forms T34fs.
Identifiers: ClinVar variation 2780119 (VCV002780119.5), dbSNP rs1554417376, ClinGen allele CA456356333.
Genomic context (GRCh38, chr7:87,472,655, plus strand): 5'-TTCACATTTAACATTTCACAGCTTACCAATGTTAATACTCCAATCATTTTCACTGTCTTC[GT>G]TTTTTTCCTTTTTTGTTTGCTGTAAAAAATAGAATTGCTTCAATTTAAAACTGTTACAAA-3'

ClinVar aggregate classification (germline): Pathogenic/Likely pathogenic. Review status: criteria provided, multiple submitters, no conflicts (2 of 4 stars). 3 submissions from 3 submitters: Pathogenic (2); Likely pathogenic (1). Last evaluated 2026-04-14.

Conditions:
Familial intrahepatic cholestasis. Identifiers: Orphanet 284385, MedGen CN296401, MONDO:0017290.

Submissions (3):

Genomenon, Inc
Classification: Pathogenic for Familial intrahepatic cholestasis. Last evaluated: 2026-04-14. Review status: criteria provided, single submitter. Criteria: Genomenon Sequence Variant Interpretation Standards - Updated. Collection method: curation. Allele origin: germline. Affected: yes.
Comment: ABCB4 p.Thr34ArgfsTer4 (c.100del) is a frameshift variant that results in the production of a truncated protein which is predicted to undergo nonsense-mediated mRNA decay. This variant has been observed in at least one proband with an ABCB4-related disorder (PMID:32893960). It is absent or not present at a significant frequency in gnomAD. In conclusion, we classify ABCB4 p.Thr34ArgfsTer4 (c.100del) as a pathogenic variant.

GeneDx
Classification: Likely pathogenic. Last evaluated: 2024-07-18. Review status: criteria provided, single submitter. Criteria: GeneDx Variant Classification Process June 2021. Collection method: clinical testing. Allele origin: germline. Affected: yes.
Comment: Observed with a second ABCB4 variant, phase unknown, in a patient with PFIC3 and as a single heterozygous variant in a patient with mild cholangitis activity (PMID: 32893960); Frameshift variant predicted to result in protein truncation or nonsense mediated decay in a gene for which loss of function is a known mechanism of disease; Not observed at significant frequency in large population cohorts (gnomAD); This variant is associated with the following publications: (PMID: 32893960)

Labcorp Genetics (formerly Invitae), Labcorp
Classification: Pathogenic. Last evaluated: 2023-12-25. Review status: criteria provided, single submitter. Criteria: Invitae Variant Classification Sherloc (09022015). Collection method: clinical testing. Allele origin: germline.
Comment: This sequence change creates a premature translational stop signal (p.Thr34Argfs*4) in the ABCB4 gene. It is expected to result in an absent or disrupted protein product. Loss-of-function variants in ABCB4 are known to be pathogenic (PMID: 17726488, 25755532). This variant is not present in population databases (gnomAD no frequency). This premature translational stop signal has been observed in individual(s) with autosomal recessive ABCB4-related conditions (PMID: 32893960). For these reasons, this variant has been classified as Pathogenic.

Literature cited by the submitters: PubMed 32893960 (cited by Genomenon, Inc and Labcorp Genetics (formerly Invitae), Labcorp); PubMed 17726488 (cited by Labcorp Genetics (formerly Invitae), Labcorp); PubMed 25755532 (cited by Labcorp Genetics (formerly Invitae), Labcorp).